The following is an entry in ClinVar:

NM_006494.4(ERF):c.277A>G (p.Ile93Val)

Gene: ERF (ETS2 repressor factor; minus strand). Cytogenetic location: 19q13.2.
Variant type: single nucleotide variant.
Coding change: c.277A>G on transcript NM_006494.4 (MANE Select); coding-DNA position 277, A replaced by G.
Protein change: p.Ile93Val; replaces isoleucine 93 with valine.
Molecular consequence: missense variant. On other transcripts: 5 prime UTR variant (1).
Genome position (GRCh38, 1-based): chr19:42,249,923, T>C on the plus strand (A>G on the coding strand, the complement: ERF is on the minus strand). VCF-style: chr19-42249923-T-C. GRCh37 (hg19) VCF-style: chr19-42754075-T-C.
Other names: c.52A>G, p.Ile18Val (NM_001301035.2, NM_001308402.2, NM_001312656.2 and 1 more transcripts); c.-531A>G (NM_001440421.1); short protein forms I18V, I93V.
Identifiers: ClinVar variation 4278546 (VCV004278546.1).

ClinVar aggregate classification (germline): Uncertain significance (1 of 4 stars; one submission).

Submission:

GeneDx
Classification: Uncertain significance. Last evaluated: 2025-04-04. Review status: criteria provided, single submitter. Criteria: GeneDx Variant Classification Process June 2021. Collection method: clinical testing. Allele origin: germline. Affected: yes.
Comment: Not observed at significant frequency in large population cohorts (gnomAD); In silico analysis indicates that this missense variant does not alter protein structure/function; Has not been previously published as pathogenic or benign to our knowledge